The following is an entry in ClinVar:

NM_002519.3(NPAT):c.2276C>T (p.Ala759Val)

Gene: NPAT (nuclear protein, coactivator of histone transcription; minus strand). Cytogenetic location: 11q22.3.
Variant type: single nucleotide variant.
Coding change: c.2276C>T on transcript NM_002519.3 (MANE Select); coding-DNA position 2276, C replaced by T.
Protein change: p.Ala759Val; replaces alanine 759 with valine.
Molecular consequence: missense variant.
Genome position (GRCh38, 1-based): chr11:108,172,708, G>A on the plus strand (C>T on the coding strand, the complement: NPAT is on the minus strand). VCF-style: chr11-108172708-G-A. GRCh37 (hg19) VCF-style: chr11-108043435-G-A.
Other names: c.2276C>T, p.Ala759Val (NM_001321307.1); short protein forms A759V.
Identifiers: ClinVar variation 2961948 (VCV002961948.3), dbSNP rs1259722323, ClinGen allele CA382513316.

ClinVar aggregate classification (germline): Uncertain significance (1 of 4 stars; one submission).

Allele frequency attached by ClinVar (database versions not stated): gnomAD exomes below 0.00001; TOPMed 0.00001.
gnomAD v4.1: 1 of 1,613,666 alleles (0.000062%); highest among the groups gnomAD compares: Non-Finnish European, 0.000085%; no homozygotes.

Submission:

Labcorp Genetics (formerly Invitae), Labcorp
Classification: Uncertain significance. Last evaluated: 2023-01-21. Review status: criteria provided, single submitter. Criteria: Invitae Variant Classification Sherloc (09022015). Collection method: clinical testing. Allele origin: germline.
Comment: In summary, the available evidence is currently insufficient to determine the role of this variant in disease. Therefore, it has been classified as a Variant of Uncertain Significance. Algorithms developed to predict the effect of missense changes on protein structure and function are either unavailable or do not agree on the potential impact of this missense change (SIFT: "Deleterious"; PolyPhen-2: "Probably Damaging"; Align-GVGD: "Class C0"). This variant has not been reported in the literature in individuals affected with NPAT-related conditions. This variant is present in population databases (no rsID available, gnomAD 0.0009%). This sequence change replaces alanine, which is neutral and non-polar, with valine, which is neutral and non-polar, at codon 759 of the NPAT protein (p.Ala759Val).